The following is an entry in ClinVar:

NM_024996.7(GFM1):c.3G>A (p.Met1Ile)

Gene: GFM1 (G elongation factor mitochondrial 1; plus strand). Cytogenetic location: 3q25.32.
Variant type: single nucleotide variant.
Coding change: c.3G>A on transcript NM_024996.7 (MANE Select); coding-DNA position 3, G replaced by A.
Protein change: p.Met1Ile; changes the start codon (methionine 1).
Molecular consequence: missense variant, initiator codon variant. On other transcripts: 5 prime UTR variant (4), non-coding transcript variant (4).
Genome position (GRCh38, 1-based): chr3:158,644,637, G>A. VCF-style: chr3-158644637-G-A. GRCh37 (hg19) VCF-style: chr3-158362426-G-A.
Other names: p.M1?:ATG>ATA; c.3G>A, p.Met1Ile (NM_001308164.2, NM_001308166.2, NM_001374355.1 and 2 more transcripts); c.-389G>A (NM_001374357.1); c.-227G>A (NM_001374359.1, NM_001374360.1, NM_001374361.1); short protein forms M1I.
Identifiers: ClinVar variation 214491 (VCV000214491.5), dbSNP rs863224030, ClinGen allele CA321080.

ClinVar aggregate classification (germline): Conflicting classifications of pathogenicity. Review status: criteria provided, conflicting classifications (1 of 4 stars). 3 submissions from 3 submitters: Pathogenic (1); Uncertain significance (1). 1 of the submissions does not count toward it. Last evaluated 2020-04-28.

Conditions:
Hepatoencephalopathy due to combined oxidative phosphorylation defect type 1. Also called: HEPATOENCEPHALOPATHY, EARLY FATAL PROGRESSIVE. Identifiers: Orphanet 137681, MedGen C1836797, MONDO:0012191, OMIM 609060.

Submissions (3):

Blueprint Genetics
Classification: Uncertain significance. Last evaluated: 2020-04-28. Review status: criteria provided, single submitter. Criteria: ACMG Guidelines, 2015. Collection method: clinical testing. Allele origin: germline.

GeneDx
Classification: Pathogenic. Last evaluated: 2013-08-12. Review status: criteria provided, single submitter. Criteria: GeneDx Variant Classification (06012015). Collection method: clinical testing. Allele origin: germline. Affected: yes.
Comment: p.Met1? (ATG>?): c.3 G>A in exon 1 of the GFM1 gene (NM_024996.5). The c.3 G>A mutation has not been published as a mutation, nor has it been reported as a benign polymorphism to our knowledge. The c.3 G>A mutation alters the initiator Methionine codon, and the resultant protein would be described as p.Met1?" using a question mark to signify that it is not known if the loss of Met1 means that all protein translation is completely prevented or if an abnormal protein is produced using an alternate Met. Therefore, c.3 G>A is expected to be a pathogenic mutation. The variant is found in MITONUC-MITOP panel(s)."

Natera, Inc.
Classification: Pathogenic for Combined oxidative phosphorylation deficiency 1. Last evaluated: 2020-09-16. Review status: no assertion criteria provided. Collection method: clinical testing. Allele origin: germline. Not counted in ClinVar's aggregate classification.